The following is an entry in ClinVar:

ClinVar aggregate classification (germline): Uncertain significance. Review status: criteria provided, multiple submitters, no conflicts (2 of 4 stars). 2 submissions from 2 submitters: Uncertain significance (2). Last evaluated 2025-10-04.

Conditions:
Reticular dysgenesis. Also called: ALEUKOCYTOSIS; CONGENITAL ALEUKIA; HEMATOPOIETIC HYPOPLASIA, GENERALIZED; RETICULAR DYSGENESIA; SEVERE COMBINED IMMUNODEFICIENCY WITH LEUKOPENIA; DeVaal disease. Identifiers: Orphanet 33355, MedGen C0272167, MONDO:0009973, OMIM 267500.

Submissions (2):

Labcorp Genetics (formerly Invitae), Labcorp
Classification: Uncertain significance for Reticular dysgenesis. Last evaluated: 2025-10-04. Review status: criteria provided, single submitter. Criteria: Invitae Variant Classification Sherloc (09022015). Collection method: clinical testing. Allele origin: germline.
Comment: This sequence change falls in intron 2 of the AK2 gene. It does not directly change the encoded amino acid sequence of the AK2 protein. It affects a nucleotide within the consensus splice site. This variant is present in population databases (no rsID available, gnomAD no frequency). This variant has not been reported in the literature in individuals affected with AK2-related conditions. ClinVar contains an entry for this variant (Variation ID: 1381684). Variants that disrupt the consensus splice site are a relatively common cause of aberrant splicing (PMID: 17576681, 9536098). Algorithms developed to predict the effect of sequence changes on RNA splicing suggest that this variant may disrupt the consensus splice site. In summary, the available evidence is currently insufficient to determine the role of this variant in disease. Therefore, it has been classified as a Variant of Uncertain Significance.

Blueprint Genetics
Classification: Uncertain significance. Last evaluated: 2022-05-27. Review status: criteria provided, single submitter. Criteria: ACMG Guidelines, 2015. Collection method: clinical testing. Allele origin: germline.

Literature cited by the submitters: PubMed 17576681 (cited by Labcorp Genetics (formerly Invitae), Labcorp); PubMed 9536098 (cited by Labcorp Genetics (formerly Invitae), Labcorp).

NM_001625.4(AK2):c.220-2dup

Gene: AK2 (adenylate kinase 2; minus strand). Cytogenetic location: 1p35.1.
Variant type: Duplication.
Coding change: c.220-2dup on transcript NM_001625.4 (MANE Select); the canonical splice acceptor site of the intron before coding-DNA position 220, one base duplicated (A; older notation c.220-2dupA).
Molecular consequence: splice acceptor variant.
Genome position (GRCh38, 1-based): chr1:33,021,705, T duplicated on the plus strand (A on the coding strand, the reverse complement: AK2 is on the minus strand). VCF-style (leftmost placement, unchanged base first): chr1-33021704-C-CT. GRCh37 (hg19) VCF-style: chr1-33487305-C-CT.
Other names: c.220-2dup (NM_013411.5, NM_001319143.2, NM_001199199.3 and 1 more transcripts); c.94-2dup (NM_001319142.3); c.76-2dup (NM_001319139.3, NM_001319140.2).
Identifiers: ClinVar variation 1381684 (VCV001381684.7), dbSNP rs2124330418, ClinGen allele CA522245663.